The following is an entry in ClinVar:

ClinVar aggregate classification (germline): Likely benign. Review status: criteria provided, multiple submitters, no conflicts (2 of 4 stars). 2 submissions from 2 submitters: Likely benign (2). Last evaluated 2024-10-16.

Allele frequency attached by ClinVar (database versions not stated): gnomAD 0.00006 and 0.00009; ExAC 0.00013; TOPMed 0.00014; 1000 Genomes Project 30x 0.00016; gnomAD exomes 0.00016; 1000 Genomes Project 0.00020.
gnomAD v4.1: 79 of 1,613,670 alleles (0.0049%); highest among the groups gnomAD compares: East Asian, 0.12%; 1 homozygote.

Submissions (2):

Labcorp Genetics (formerly Invitae), Labcorp
Classification: Likely benign. Last evaluated: 2024-10-16. Review status: criteria provided, single submitter. Criteria: Invitae Variant Classification Sherloc (09022015). Collection method: clinical testing. Allele origin: germline.

Women's Health and Genetics/Laboratory Corporation of America, LabCorp
Classification: Likely benign. Last evaluated: 2019-01-21. Review status: criteria provided, single submitter. Criteria: LabCorp Variant Classification Summary - May 2015. Collection method: clinical testing. Allele origin: germline.
Comment: Variant summary: CTF1 c.55C>A (p.Leu19Ile) results in a conservative amino acid change in the encoded protein sequence. Five of five in-silico tools predict a benign effect of the variant on protein function. The variant allele was found at a frequency of 0.00015 in 276860 control chromosomes, predominantly at a frequency of 0.0022 within the East Asian subpopulation in the gnomAD database. The observed variant frequency within East Asian control individuals in the gnomAD database is approximately 88 fold of the estimated maximal expected allele frequency for a pathogenic variant in CTF1 causing Cardiomyopathy phenotype (2.5e-05), strongly suggesting that the variant is a benign polymorphism found primarily in populations of East Asian origin. To our knowledge, no occurrence of c.55C>A in individuals affected with Cardiomyopathy and no experimental evidence demonstrating its impact on protein function have been reported. No clinical diagnostic laboratories have submitted clinical-significance assessments for this variant to ClinVar after 2014. Based on the evidence outlined above, the variant was classified as likely benign.

NM_001330.5(CTF1):c.55C>A (p.Leu19Ile)

Gene: CTF1 (cardiotrophin 1; plus strand). Cytogenetic location: 16p11.2.
Variant type: single nucleotide variant.
Coding change: c.55C>A on transcript NM_001330.5 (MANE Select); coding-DNA position 55, C replaced by A.
Protein change: p.Leu19Ile; replaces leucine 19 with isoleucine.
Molecular consequence: missense variant. On other transcripts: non-coding transcript variant (1).
Genome position (GRCh38, 1-based): chr16:30,899,444, C>A. VCF-style: chr16-30899444-C-A. GRCh37 (hg19) VCF-style: chr16-30910765-C-A.
Other names: c.52C>A, p.Leu18Ile (NM_001142544.3); short protein forms L18I, L19I.
Identifiers: ClinVar variation 701490 (VCV000701490.10), dbSNP rs544073469, ClinGen allele CA8015467.